The following is an entry in ClinVar:

ClinVar aggregate classification (germline): Uncertain significance. Review status: criteria provided, multiple submitters, no conflicts (2 of 4 stars). 3 submissions from 3 submitters: Uncertain significance (3). Last evaluated 2026-01-01.

Allele frequency attached by ClinVar (database versions not stated): ESP Exome Variant Server 0.00008.

Submissions (3):

Labcorp Genetics (formerly Invitae), Labcorp
Classification: Uncertain significance. Last evaluated: 2026-01-01. Review status: criteria provided, single submitter. Criteria: Invitae Variant Classification Sherloc (09022015). Collection method: clinical testing. Allele origin: germline.
Comment: This sequence change replaces valine, which is neutral and non-polar, with methionine, which is neutral and non-polar, at codon 94 of the ACAN protein (p.Val94Met). This variant is present in population databases (rs370626315, gnomAD 0.01%). This variant has not been reported in the literature in individuals affected with ACAN-related conditions. ClinVar contains an entry for this variant (Variation ID: 1373079). Invitae Evidence Modeling of protein sequence and biophysical properties (such as structural, functional, and spatial information, amino acid conservation, physicochemical variation, residue mobility, and thermodynamic stability) indicates that this missense variant is not expected to disrupt ACAN protein function with a negative predictive value of 80%. In summary, the available evidence is currently insufficient to determine the role of this variant in disease. Therefore, it has been classified as a Variant of Uncertain Significance.

Women's Health and Genetics/Laboratory Corporation of America, LabCorp
Classification: Uncertain significance. Last evaluated: 2025-10-01. Review status: criteria provided, single submitter. Criteria: LabCorp Variant Classification Summary - May 2015. Collection method: clinical testing. Allele origin: germline.
Comment: Variant summary: ACAN c.280G>A (p.Val94Met) results in a conservative amino acid change in the encoded protein sequence. Algorithms developed to predict the effect of missense changes on protein structure and function are either unavailable or do not agree on the potential impact of this missense change. The variant allele was found at a frequency of 6e-05 in 249222 control chromosomes. This frequency is not significantly higher than estimated for disease-causing variants in ACAN, allowing no conclusion about variant significance. To our knowledge, no occurrence of c.280G>A in individuals affected with ACAN-related conditions and no experimental evidence demonstrating its impact on protein function have been reported. ClinVar contains an entry for this variant (Variation ID: 1373079). Based on the evidence outlined above, the variant was classified as uncertain significance.

Blueprint Genetics
Classification: Uncertain significance. Last evaluated: 2024-10-24. Review status: criteria provided, single submitter. Criteria: ACMG Guidelines, 2015. Collection method: clinical testing. Allele origin: germline.

NM_001369268.1(ACAN):c.280G>A (p.Val94Met)

Gene: ACAN (aggrecan; plus strand). Cytogenetic location: 15q26.1.
Variant type: single nucleotide variant.
Coding change: c.280G>A on transcript NM_001369268.1 (MANE Select); coding-DNA position 280, G replaced by A.
Protein change: p.Val94Met; replaces valine 94 with methionine.
Molecular consequence: missense variant.
Genome position (GRCh38, 1-based): chr15:88,838,872, G>A. VCF-style: chr15-88838872-G-A. GRCh37 (hg19) VCF-style: chr15-89382103-G-A.
Other names: c.280G>A, p.Val94Met (NM_001135.4, NM_013227.4); short protein forms V94M.
Identifiers: ClinVar variation 1373079 (VCV001373079.10), dbSNP rs370626315, ClinGen allele CA7719182.